The following is an entry in ClinVar:

ClinVar aggregate classification (germline): Uncertain significance. Review status: criteria provided, single submitter (1 of 4 stars). 2 submissions from 2 submitters: Uncertain significance (1). 1 of the submissions does not count toward it. Last evaluated 2018-01-13.

Conditions:
Microcephalic osteodysplastic primordial dwarfism type II (MOPD2). Also called: Microcephalic osteodysplastic primordial dwarfism with tooth abnormalities; MOPD II; OSTEODYSPLASTIC PRIMORDIAL DWARFISM, TYPE II. Identifiers: Orphanet 2637, MedGen C0432246, MONDO:0008872, OMIM 210720.
PCNT-related disorder. Also called: PCNT-related condition.

Allele frequency attached by ClinVar (database versions not stated): ExAC 0.00001; gnomAD 0.00001; gnomAD exomes 0.00001 and 0.00002; TOPMed 0.00002.
gnomAD v4.1: 12 of 1,613,856 alleles (0.00074%); highest among the groups gnomAD compares: East Asian, 0.013%; no homozygotes.

Submissions (2):

Illumina Laboratory Services, Illumina
Classification: Uncertain significance for Microcephalic osteodysplastic primordial dwarfism type II. Last evaluated: 2018-01-13. Review status: criteria provided, single submitter. Criteria: ICSL Variant Classification Criteria 13 December 2019. Collection method: clinical testing. Allele origin: germline.

PreventionGenetics, part of Exact Sciences
Classification: Uncertain significance for PCNT-related condition. Last evaluated: 2023-12-15. Review status: no assertion criteria provided. Collection method: clinical testing. Allele origin: germline. Not counted in ClinVar's aggregate classification.
Comment: The PCNT c.5105C>T variant is predicted to result in the amino acid substitution p.Thr1702Met. To our knowledge, this variant has not been reported in the literature. This variant is reported in 0.0065% of alleles in individuals of South Asian descent in gnomAD. At this time, the clinical significance of this variant is uncertain due to the absence of conclusive functional and genetic evidence.

NM_006031.6(PCNT):c.5105C>T (p.Thr1702Met)

Gene: PCNT (pericentrin; plus strand). Cytogenetic location: 21q22.3.
Variant type: single nucleotide variant.
Coding change: c.5105C>T on transcript NM_006031.6 (MANE Select); coding-DNA position 5105, C replaced by T.
Protein change: p.Thr1702Met; replaces threonine 1702 with methionine.
Molecular consequence: missense variant.
Genome position (GRCh38, 1-based): chr21:46,402,473, C>T. VCF-style: chr21-46402473-C-T. GRCh37 (hg19) VCF-style: chr21-47822387-C-T.
Other names: c.4751C>T, p.Thr1584Met (NM_001315529.2); short protein forms T1702M, T1584M.
Identifiers: ClinVar variation 898611 (VCV000898611.6), dbSNP rs768063203, ClinGen allele CA10079876.